The following is an entry in ClinVar:

NM_000137.4(FAH):c.971G>A (p.Trp324Ter)

Gene: FAH (fumarylacetoacetate hydrolase; plus strand). Cytogenetic location: 15q25.1.
Variant type: single nucleotide variant.
Coding change: c.971G>A on transcript NM_000137.4 (MANE Select); coding-DNA position 971, G replaced by A.
Protein change: p.Trp324Ter; replaces tryptophan 324 with a stop codon.
Molecular consequence: nonsense.
Genome position (GRCh38, 1-based): chr15:80,180,134, G>A. VCF-style: chr15-80180134-G-A. GRCh37 (hg19) VCF-style: chr15-80472476-G-A.
Other names: c.971G>A, p.Trp324Ter (NM_001374377.1, NM_001374380.1); short protein forms W324*.
Identifiers: ClinVar variation 983701 (VCV000983701.11), dbSNP rs2041316956, ClinGen allele CA393621665.

ClinVar aggregate classification (germline): Pathogenic/Likely pathogenic. Review status: criteria provided, multiple submitters, no conflicts (2 of 4 stars). 2 submissions from 2 submitters: Pathogenic (1); Likely pathogenic (1). Last evaluated 2022-05-22.

Conditions:
Tyrosinemia type I (TYRSN1). Also called: FAH DEFICIENCY; Tyrosinemia type 1; Fumarylacetoacetase deficiency; Deficiency of fumarylacetoacetase; HEPATORENAL TYROSINEMIA. Identifiers: Orphanet 882, MedGen C0268490, MONDO:0010161, OMIM 276700. Disease mechanism: loss of function.

Submissions (2):

Labcorp Genetics (formerly Invitae), Labcorp
Classification: Pathogenic for Tyrosinemia type I. Last evaluated: 2022-05-22. Review status: criteria provided, single submitter. Criteria: Invitae Variant Classification Sherloc (09022015). Collection method: clinical testing. Allele origin: germline.
Comment: ClinVar contains an entry for this variant (Variation ID: 983701). For these reasons, this variant has been classified as Pathogenic. This sequence change creates a premature translational stop signal (p.Trp324*) in the FAH gene. It is expected to result in an absent or disrupted protein product. Loss-of-function variants in FAH are known to be pathogenic (PMID: 9101289, 9633815). This variant is not present in population databases (gnomAD no frequency). This premature translational stop signal has been observed in individual(s) with type 1 tyrosinemia (PMID: 31965297).

Myriad Genetics, Inc.
Classification: Likely pathogenic for Tyrosinemia type I. Last evaluated: 2019-10-15. Review status: criteria provided, single submitter. Criteria: Myriad Women's Health Autosomal Recessive and X-Linked Classification Criteria (2019). Collection method: clinical testing. Allele origin: unknown.
Comment: NM_000137.2(FAH):c.971G>A(W324*) is expected to be pathogenic in the context of tyrosinemia type I. This variant is predicted to lead to an abnormal or absent protein product due to the creation of a premature termination codon in FAH, a gene where loss-of-function variants are known to be pathogenic. Please note: this variant was assessed in the context of healthy population screening.

Literature cited by the submitters: PubMed 9101289 (cited by Labcorp Genetics (formerly Invitae), Labcorp); PubMed 9633815 (cited by Labcorp Genetics (formerly Invitae), Labcorp); PubMed 31965297 (cited by Labcorp Genetics (formerly Invitae), Labcorp).